The following is an entry in ClinVar:

NM_000199.5(SGSH):c.633C>A (p.Thr211=)

Gene: SGSH (N-sulfoglucosamine sulfohydrolase; minus strand). Cytogenetic location: 17q25.3.
Variant type: single nucleotide variant.
Coding change: c.633C>A on transcript NM_000199.5 (MANE Select); coding-DNA position 633, C replaced by A.
Protein change: p.Thr211=; no amino-acid change (threonine 211 retained).
Molecular consequence: synonymous variant. On other transcripts: non-coding transcript variant (1).
Genome position (GRCh38, 1-based): chr17:80,214,202, G>T on the plus strand (C>A on the coding strand, the complement: SGSH is on the minus strand). VCF-style: chr17-80214202-G-T. GRCh37 (hg19) VCF-style: chr17-78188001-G-T.
Other names: c.633C>A, p.Thr211= (NM_001352921.3, NM_001352922.2).
Identifiers: ClinVar variation 711167 (VCV000711167.15), dbSNP rs187147954, ClinGen allele CA8817930.
Genomic context (GRCh38, chr17:80,214,202, plus strand): 5'-CGTCCTGAAACACAGGAGGGGCCGTCCTACCAGCACGTCCAGTGGGTCGTAGGCCTGGGG[G>T]GTCCAGTCTGGGATACGACCCATGCCGCTCTCTCCGTTGCCAAACTTCTCACAGAAGGTT-3'
Protein context (NP_000190.1, residues 201-221): ESGMGRIPDW[Thr211=]PQAYDPLDVL

ClinVar aggregate classification (germline): Benign/Likely benign. Review status: criteria provided, multiple submitters, no conflicts (2 of 4 stars). 4 submissions from 4 submitters: Benign (1); Likely benign (2). 1 of the submissions does not count toward it. Last evaluated 2026-06-01.

Conditions:
Mucopolysaccharidosis, MPS-III-A (MPS3A). Also called: MPS III A; SANFILIPPO SYNDROME A; SULFAMIDASE DEFICIENCY; Mucopolysaccharidosis type IIIA (Sanfilippo A); mucopolysaccharidosis type 3A; MPS IIIA (Sanfilippo Syndrome Type A). Identifiers: Orphanet 581, Orphanet 79269, MedGen C0086647, MONDO:0009655, OMIM 252900.

Allele frequency attached by ClinVar (database versions not stated): gnomAD 0.00003 and 0.00004; TOPMed 0.00015; 1000 Genomes Project 30x 0.00016; 1000 Genomes Project 0.00020; gnomAD exomes 0.00026; ExAC 0.00032.
gnomAD v4.1: 74 of 1,611,960 alleles (0.0046%); highest among the groups gnomAD compares: Admixed American, 0.12%; no homozygotes.

Submissions (4):

CeGaT Center for Human Genetics Tuebingen
Classification: Likely benign. Last evaluated: 2026-06-01. Review status: criteria provided, single submitter. Criteria: CeGaT Center For Human Genetics Tuebingen Variant Classification Criteria Version 2. Collection method: clinical testing. Allele origin: germline. Affected: yes. Observed: 1 variant allele.
Comment: SGSH: BP4, BP7

Labcorp Genetics (formerly Invitae), Labcorp
Classification: Benign for Mucopolysaccharidosis, MPS-III-A. Last evaluated: 2026-01-24. Review status: criteria provided, single submitter. Criteria: Invitae Variant Classification Sherloc (09022015). Collection method: clinical testing. Allele origin: germline.

Blueprint Genetics
Classification: Likely benign. Last evaluated: 2022-05-11. Review status: criteria provided, single submitter. Criteria: ACMG Guidelines, 2015. Collection method: clinical testing. Allele origin: germline.

Natera, Inc.
Classification: Uncertain significance for Mucopolysaccharidosis type IIIA. Last evaluated: 2020-01-24. Review status: no assertion criteria provided. Collection method: clinical testing. Allele origin: germline. Not counted in ClinVar's aggregate classification.